The following is an entry in ClinVar:

ClinVar aggregate classification (germline): Uncertain significance (1 of 4 stars; one submission).

Conditions:
Autosomal dominant nonsyndromic hearing loss 56. Also called: Deafness, autosomal dominant 56. Identifiers: Orphanet 90635, MedGen C3810170, MONDO:0014283, OMIM 615629.

Submission:

Baylor Genetics
Classification: Uncertain significance for Autosomal dominant nonsyndromic hearing loss 56. Last evaluated: 2018-11-03. Review status: criteria provided, single submitter. Criteria: ACMG Guidelines, 2015. Collection method: clinical testing. Allele origin: maternal. Affected: yes.
Comment: This variant was determined to be of uncertain significance according to ACMG Guidelines, 2015 [PMID:25741868].

NM_002160.4(TNC):c.2795G>C (p.Gly932Ala)

Gene: TNC (tenascin C; minus strand). Cytogenetic location: 9q33.1.
Variant type: single nucleotide variant.
Coding change: c.2795G>C on transcript NM_002160.4 (MANE Select); coding-DNA position 2795, G replaced by C.
Protein change: p.Gly932Ala; replaces glycine 932 with alanine.
Molecular consequence: missense variant.
Genome position (GRCh38, 1-based): chr9:115,076,455, C>G on the plus strand (G>C on the coding strand, the complement: TNC is on the minus strand). VCF-style: chr9-115076455-C-G. GRCh37 (hg19) VCF-style: chr9-117838734-C-G.
Other names: short protein forms G932A.
Identifiers: ClinVar variation 1033486 (VCV001033486.1), dbSNP rs766474182, ClinGen allele CA374622642.